The following is an entry in ClinVar:

ClinVar aggregate classification (germline): Benign (1 of 4 stars; one submission).

Conditions:
Macular corneal dystrophy (MCD). Also called: GROENOUW TYPE II CORNEAL DYSTROPHY; Macular corneal dystrophy Type I. Identifiers: Orphanet 98969, MedGen C1636149, MONDO:0009020, OMIM 217800.

Allele frequency attached by ClinVar (database versions not stated): 1000 Genomes Project 30x 0.97486; TOPMed 0.97500; gnomAD 0.97576 and 0.97756; 1000 Genomes Project 0.97664; gnomAD exomes 1.00000.
gnomAD v4.1: 147,981 of 151,334 alleles (98%); highest among the groups gnomAD compares: Middle Eastern, 100%; 72,457 homozygotes.

Submission:

Illumina Laboratory Services, Illumina
Classification: Benign for Macular corneal dystrophy. Last evaluated: 2018-01-12. Review status: criteria provided, single submitter. Criteria: ICSL Variant Classification Criteria 13 December 2019. Collection method: clinical testing. Allele origin: germline.
Comment: This variant was observed in the ICSL laboratory as part of a predisposition screen in an ostensibly healthy population. It had not been previously curated by ICSL or reported in the Human Gene Mutation Database (HGMD: prior to June 1st, 2018), and was therefore a candidate for classification through an automated scoring system. Utilizing variant allele frequency, disease prevalence and penetrance estimates, and inheritance mode, an automated score was calculated to assess if this variant is too frequent to cause the disease. Based on the score and internal cut-off values, a variant classified as benign is not then subjected to further curation. The score for this variant resulted in a classification of benign for this disease.

NM_021615.5(CHST6):c.*1967C>T

Gene: CHST6 (carbohydrate sulfotransferase 6; minus strand). Cytogenetic location: 16q23.1.
Variant type: single nucleotide variant.
Coding change: c.*1967C>T on transcript NM_021615.5 (MANE Select); 1967 bases downstream of the stop codon, C replaced by T.
Molecular consequence: 3 prime UTR variant.
Genome position (GRCh38, 1-based): chr16:75,476,674, G>A on the plus strand (C>T on the coding strand, the complement: CHST6 is on the minus strand). VCF-style: chr16-75476674-G-A. GRCh37 (hg19) VCF-style: chr16-75510572-G-A.
Identifiers: ClinVar variation 320558 (VCV000320558.5), dbSNP rs42967, ClinGen allele CA10638388.
Genomic context (GRCh38, chr16:75,476,674, plus strand): 5'-TACGATAAGAGGACACAGCTAGAAGGCACTGTCTTTGAAAAAGTGGGCCCTCATCAGACA[G>A]CACTGGTGGCTTGATCTTGGACTTCCCAGTCTCCAGACTTGTGAGAAGAACATTTGTTTA-3'